The following is an entry in ClinVar:

ClinVar aggregate classification (germline): Likely pathogenic (1 of 4 stars; one submission).

Conditions:
Chondrodysplasia punctata 2 X-linked dominant (CDPX2). Also called: Hunermann-Conradi Syndrome; EBP-Related X-Linked Chondrodysplasia Punctata; CONRADI-HUNERMANN-HAPPLE SYNDROME; HAPPLE SYNDROME. Identifiers: Orphanet 35173, MedGen C0282102, MONDO:0020603, OMIM 302960.

Submission:

3billion
Classification: Likely pathogenic for Chondrodysplasia punctata 2 X-linked dominant. Last evaluated: 2024-08-12. Review status: criteria provided, single submitter. Criteria: ACMG Guidelines, 2015. Collection method: clinical testing. Allele origin: germline. Affected: yes.
Comment: The variant is not observed in the gnomAD v4.0.0 dataset. Predicted Consequence/Location: Frameshift: predicted to result in a loss or disruption of normal protein function through nonsense-mediated decay (NMD) or protein truncation. Multiple pathogenic variants are reported downstream of the variant. Therefore, this variant is classified as Likely pathogenic according to the recommendation of ACMG/AMP guideline.

NM_006579.3(EBP):c.159del (p.Ala54fs)

Gene: EBP (EBP cholestenol delta-isomerase; plus strand). Cytogenetic location: Xp11.23.
Variant type: Deletion.
Coding change: c.159del on transcript NM_006579.3 (MANE Select); coding-DNA position 159, one base deleted (T; older notation c.159delT).
Protein change: p.Ala54fs; shifts the reading frame from alanine 54.
Molecular consequence: frameshift variant.
Genome position (GRCh38, 1-based): chrX:48,523,930, T deleted. VCF-style (leftmost placement, unchanged base first): chrX-48523929-CT-C. GRCh37 (hg19) VCF-style: chrX-48382317-CT-C.
Other names: short protein forms A54fs.
Identifiers: ClinVar variation 4293428 (VCV004293428.1).